The following is an entry in ClinVar:

ClinVar aggregate classification (germline): Uncertain significance (1 of 4 stars; one submission).

Conditions:
Progressive myoclonic epilepsy type 7. Identifiers: Orphanet 435438, MedGen C4015420, MONDO:0014521, OMIM 616187.

gnomAD v4.1: 1 of 1,591,418 alleles (0.000063%); highest among the groups gnomAD compares: East Asian, 0.0023%; no homozygotes.

Submission:

Labcorp Genetics (formerly Invitae), Labcorp
Classification: Uncertain significance for Progressive myoclonic epilepsy type 7. Last evaluated: 2025-07-21. Review status: criteria provided, single submitter. Criteria: Invitae Variant Classification Sherloc (09022015). Collection method: clinical testing. Allele origin: germline.
Comment: This sequence change replaces glycine, which is neutral and non-polar, with serine, which is neutral and polar, at codon 166 of the KCNC1 protein (p.Gly166Ser). This variant is not present in population databases (gnomAD no frequency). This variant has not been reported in the literature in individuals affected with KCNC1-related conditions. Invitae Evidence Modeling of protein sequence and biophysical properties (such as structural, functional, and spatial information, amino acid conservation, physicochemical variation, residue mobility, and thermodynamic stability) indicates that this missense variant is not expected to disrupt KCNC1 protein function with a negative predictive value of 80%. In summary, the available evidence is currently insufficient to determine the role of this variant in disease. Therefore, it has been classified as a Variant of Uncertain Significance.

NM_001112741.2(KCNC1):c.496G>A (p.Gly166Ser)

Gene: KCNC1 (potassium voltage-gated channel subfamily C member 1; plus strand). Cytogenetic location: 11p15.1.
Variant type: single nucleotide variant.
Coding change: c.496G>A on transcript NM_001112741.2 (MANE Select); coding-DNA position 496, G replaced by A.
Protein change: p.Gly166Ser; replaces glycine 166 with serine.
Molecular consequence: missense variant.
Genome position (GRCh38, 1-based): chr11:17,736,498, G>A. VCF-style: chr11-17736498-G-A. GRCh37 (hg19) VCF-style: chr11-17758045-G-A.
Other names: c.496G>A, p.Gly166Ser (NM_004976.4); short protein forms G166S.
Identifiers: ClinVar variation 4806698 (VCV004806698.1).